The following is an entry in ClinVar:

ClinVar aggregate classification (germline): Conflicting classifications of pathogenicity. Review status: criteria provided, conflicting classifications (1 of 4 stars). 9 submissions from 9 submitters: Uncertain significance (1); Likely benign (4). 4 of the submissions do not count toward it. Last evaluated 2026-05-06.

Conditions:
CEP164-related disorder. Also called: CEP164-related condition.
Nephronophthisis 15 (NPHP15). Identifiers: Orphanet 3156, MedGen C3541853, MONDO:0013917, OMIM 614845.

Allele frequency attached by ClinVar (database versions not stated): 1000 Genomes Project 0.00180; 1000 Genomes Project 30x 0.00187; ESP Exome Variant Server 0.00325; TOPMed 0.00342.
gnomAD v4.1: 7,671 of 1,581,118 alleles (0.49%); highest among the groups gnomAD compares: Non-Finnish European, 0.6%; 30 homozygotes.

Submissions (9):

Women's Health and Genetics/Laboratory Corporation of America, LabCorp
Classification: Likely benign. Last evaluated: 2026-05-06. Review status: criteria provided, single submitter. Criteria: LabCorp Variant Classification Summary - May 2015. Collection method: clinical testing. Allele origin: germline.
Comment: Variant summary: CEP164 c.380C>A (p.Pro127His) results in a non-conservative amino acid change in the encoded protein sequence. Algorithms developed to predict the effect of missense changes on protein structure and function are either unavailable or do not agree on the potential impact of this missense change. The variant allele was found at a frequency of 0.0027 in 193660 control chromosomes, predominantly at a frequency of 0.0049 within the Non-Finnish European subpopulation in the gnomAD database. The observed variant frequency within Non-Finnish European control individuals in the gnomAD database exceeds the estimated maximal expected allele frequency for disease-causing variants in CEP164. c.380C>A has been observed in an individual affected with primary sclerosing cholangitis without evidence for causality (Scaravaglio_). These report(s) do not provide unequivocal conclusions about association of the variant with Nephronophthisis 15. To our knowledge, no experimental evidence demonstrating an impact on protein function has been reported. The following publication have been ascertained in the context of this evaluation (PMID: 40769470). ClinVar contains an entry for this variant (Variation ID: 421579). Based on the evidence outlined above, the variant was classified as likely benign.

CeGaT Center for Human Genetics Tuebingen
Classification: Likely benign. Last evaluated: 2026-03-01. Review status: criteria provided, single submitter. Criteria: CeGaT Center For Human Genetics Tuebingen Variant Classification Criteria Version 2. Collection method: clinical testing. Allele origin: germline. Affected: yes. Observed: 2 variant alleles.
Comment: CEP164: BP4, BS2

Labcorp Genetics (formerly Invitae), Labcorp
Classification: Likely benign for Nephronophthisis 15. Last evaluated: 2026-02-02. Review status: criteria provided, single submitter. Criteria: Invitae Variant Classification Sherloc (09022015). Collection method: clinical testing. Allele origin: germline.

Blueprint Genetics
Classification: Likely benign. Last evaluated: 2024-11-15. Review status: criteria provided, single submitter. Criteria: ACMG Guidelines, 2015. Collection method: clinical testing. Allele origin: germline.

GeneDx
Classification: Uncertain significance. Last evaluated: 2024-06-24. Review status: criteria provided, single submitter. Criteria: GeneDx Variant Classification Process June 2021. Collection method: clinical testing. Allele origin: germline. Affected: yes.
Comment: In silico analysis supports that this missense variant has a deleterious effect on protein structure/function; Has not been previously published in association with a ciliopathy to our knowledge, but has been reported in an individual with familial hypercholesterolemia in published literature (PMID: 33111339); This variant is associated with the following publications: (PMID: 33111339)

PreventionGenetics, part of Exact Sciences
Classification: Likely benign for CEP164-related condition. Last evaluated: 2024-07-29. Review status: no assertion criteria provided. Collection method: clinical testing. Allele origin: germline. Not counted in ClinVar's aggregate classification.
Comment: This variant is classified as likely benign based on ACMG/AMP sequence variant interpretation guidelines (Richards et al. 2015 PMID: 25741868, with internal and published modifications).

Clinical Genetics DNA and cytogenetics Diagnostics Lab, Erasmus MC, Erasmus Medical Center
Classification: Likely benign. Review status: no assertion criteria provided. Collection method: clinical testing. Allele origin: germline. Affected: yes. Study: VKGL Data-share Consensus. Not counted in ClinVar's aggregate classification.

Clinical Genetics, Academic Medical Center
Classification: Likely benign. Review status: no assertion criteria provided. Collection method: clinical testing. Allele origin: germline. Affected: yes. Study: VKGL Data-share Consensus. Not counted in ClinVar's aggregate classification.

Genome Diagnostics Laboratory, University Medical Center Utrecht
Classification: Likely benign. Review status: no assertion criteria provided. Collection method: clinical testing. Allele origin: germline. Affected: yes. Study: VKGL Data-share Consensus. Not counted in ClinVar's aggregate classification.

Literature cited by the submitters: PubMed 40769470 (cited by Women's Health and Genetics/Laboratory Corporation of America, LabCorp).

NM_014956.5(CEP164):c.380C>A (p.Pro127His)

Gene: CEP164 (centrosomal protein 164; plus strand). Cytogenetic location: 11q23.3.
Variant type: single nucleotide variant.
Coding change: c.380C>A on transcript NM_014956.5 (MANE Select); coding-DNA position 380, C replaced by A.
Protein change: p.Pro127His; replaces proline 127 with histidine.
Molecular consequence: missense variant.
Genome position (GRCh38, 1-based): chr11:117,351,975, C>A. VCF-style: chr11-117351975-C-A. GRCh37 (hg19) VCF-style: chr11-117222691-C-A.
Other names: c.380C>A, p.Pro127His (NM_001271933.2); short protein forms P127H.
Identifiers: ClinVar variation 421579 (VCV000421579.42), dbSNP rs143659874, ClinGen allele CA6294412.